The following is an entry in ClinVar:

NM_001365951.3(KIF1B):c.2718C>A (p.Asp906Glu)

Genes: KIF1B (kinesin family member 1B; plus strand), LOC126805614 (BRD4-independent group 4 enhancer GRCh37_chr1:10385546-10386745; plus strand). Cytogenetic location: 1p36.22.
Variant type: single nucleotide variant.
Coding change: c.2718C>A on transcript NM_001365951.3 (MANE Select); coding-DNA position 2718, C replaced by A.
Protein change: p.Asp906Glu; replaces aspartic acid 906 with glutamic acid.
Molecular consequence: missense variant.
Genome position (GRCh38, 1-based): chr1:10,326,153, C>A. VCF-style: chr1-10326153-C-A. GRCh37 (hg19) VCF-style: chr1-10386211-C-A.
Other names: c.2718C>A, p.Asp906Glu (NM_001365952.1); c.2580C>A, p.Asp860Glu (NM_015074.3); short protein forms D860E, D906E.
Identifiers: ClinVar variation 3533926 (VCV003533926.1).
Genomic context (GRCh38, chr1:10,326,153, plus strand): 5'-GTCTTACCTGGTGTCTAGCTCCCCCATTTTCCACGGCTGTGTGAACGAGCGCCTTGCCGA[C>A]CGCACACCCTCCCCCACTTTTTCCACGGCCGATTCCGACATCACTGAGCTGGCTGACGAG-3'
Protein context (NP_001352880.1, residues 896-916): FHGCVNERLA[Asp906Glu]RTPSPTFSTA

ClinVar aggregate classification (germline): Uncertain significance (1 of 4 stars; one submission).

Submission:

Ambry Genetics
Classification: Uncertain significance. Last evaluated: 2024-07-07. Review status: criteria provided, single submitter. Criteria: Ambry Variant Classification Scheme 2023. Collection method: clinical testing. Allele origin: germline.
Comment: The p.D860E variant (also known as c.2580C>A), located in coding exon 24 of the KIF1B gene, results from a C to A substitution at nucleotide position 2580. The aspartic acid at codon 860 is replaced by glutamic acid, an amino acid with highly similar properties. This amino acid position is conserved. In addition, the in silico prediction for this alteration is inconclusive. Based on the available evidence, the clinical significance of this variant remains unclear.